The following is an entry in ClinVar:

ClinVar aggregate classification (germline): Conflicting classifications of pathogenicity. Review status: criteria provided, conflicting classifications (1 of 4 stars). 5 submissions from 5 submitters: Uncertain significance (3); Likely benign (1). 1 of the submissions does not count toward it. Last evaluated 2024-03-11.

Conditions:
Carnitine palmitoyltransferase II deficiency. Also called: Carnitine Palmitoyltransferase 2 Deficiency. Identifiers: Orphanet 157, MedGen C0342790, MONDO:0015515.
Inborn genetic diseases. Identifiers: MedGen C0950123, MeSH D030342.

Allele frequency attached by ClinVar (database versions not stated): ExAC 0.00004; gnomAD exomes 0.00004; ESP Exome Variant Server 0.00008; gnomAD 0.00014; TOPMed 0.00030.

Submissions (5):

Revvity Omics, Revvity
Classification: Uncertain significance. Last evaluated: 2024-03-11. Review status: criteria provided, single submitter. Criteria: ACMG Guidelines, 2015. Collection method: clinical testing. Allele origin: germline.

Labcorp Genetics (formerly Invitae), Labcorp
Classification: Uncertain significance for Carnitine palmitoyltransferase II deficiency. Last evaluated: 2022-10-13. Review status: criteria provided, single submitter. Criteria: Invitae Variant Classification Sherloc (09022015). Collection method: clinical testing. Allele origin: germline.
Comment: This variant, c.921_923del, is a complex sequence change that results in the deletion of 2 and insertion of 1 amino acid(s) in the CPT2 protein (p.Met307_Ser308delinsIle). This variant is present in population databases (rs751090469, gnomAD 0.009%). This variant has not been reported in the literature in individuals affected with CPT2-related conditions. ClinVar contains an entry for this variant (Variation ID: 656858). Experimental studies and prediction algorithms are not available or were not evaluated, and the functional significance of this variant is currently unknown. In summary, the available evidence is currently insufficient to determine the role of this variant in disease. Therefore, it has been classified as a Variant of Uncertain Significance.

Ambry Genetics
Classification: Uncertain significance for Inborn genetic diseases. Last evaluated: 2021-09-18. Review status: criteria provided, single submitter. Criteria: Ambry Variant Classification Scheme 2023. Collection method: clinical testing. Allele origin: germline.
Comment: The c.921_923delGAG (p.M307_S308delinsI) alteration is located in exon 4 (coding exon 4) of the CPT2 gene. This alteration consists of an in-frame deletion of 3 nucleotides between nucleotide positions c.921 and c.923, resulting in the deletion of 1 residue. Based on insufficient or conflicting evidence, the clinical significance of this alteration remains unclear.

CeGaT Center for Human Genetics Tuebingen
Classification: Likely benign. Last evaluated: 2021-04-01. Review status: criteria provided, single submitter. Criteria: CeGaT Center For Human Genetics Tuebingen Variant Classification Criteria Version 2. Collection method: clinical testing. Allele origin: germline. Affected: yes. Observed: 1 variant allele.

Natera, Inc.
Classification: Uncertain significance for Carnitine palmitoyltransferase II deficiency. Last evaluated: 2020-01-17. Review status: no assertion criteria provided. Collection method: clinical testing. Allele origin: germline. Not counted in ClinVar's aggregate classification.

NM_000098.3(CPT2):c.921_923del (p.Met307_Ser308delinsIle)

Gene: CPT2 (carnitine palmitoyltransferase 2; plus strand). Cytogenetic location: 1p32.3.
Variant type: Deletion.
Coding change: c.921_923del on transcript NM_000098.3 (MANE Select); coding-DNA positions 921 to 923, 3 bases deleted (GAG; older notation c.921_923delGAG).
Protein change: p.Met307_Ser308delinsIle.
Molecular consequence: inframe indel.
Genome position (GRCh38, 1-based): chr1:53,210,595-53,210,597, GAG deleted. VCF-style (leftmost placement, unchanged base first): chr1-53210594-TGAG-T. GRCh37 (hg19) VCF-style: chr1-53676266-TGAG-T.
Other names: c.921_923del (NM_000098.2); c.921_923del, p.Met307_Ser308delinsIle (NM_001330589.2); c.921_923delGAG (NM_000098.3).
Identifiers: ClinVar variation 656858 (VCV000656858.42), dbSNP rs751090469, ClinGen allele CA859080.